The following is an entry in ClinVar:

ClinVar aggregate classification (germline): Benign. Review status: criteria provided, multiple submitters, no conflicts (2 of 4 stars). 7 submissions from 7 submitters: Benign (5). 2 of the submissions do not count toward it. Last evaluated 2026-02-01.

Conditions:
Autosomal recessive severe congenital neutropenia due to G6PC3 deficiency. Also called: NEUTROPENIA, SEVERE CONGENITAL, 4, AUTOSOMAL RECESSIVE; G6PC3 Deficiency. Identifiers: Orphanet 331176, MedGen C2751630, MONDO:0012930, OMIM 612541.

Allele frequency attached by ClinVar (database versions not stated): 1000 Genomes Project 30x 0.01280; ESP Exome Variant Server 0.01445; gnomAD exomes 0.00319 and 0.00154; ExAC 0.00374; 1000 Genomes Project 0.01238; gnomAD 0.01326 and 0.01443; TOPMed 0.01544.
gnomAD v4.1: 4,321 of 1,613,276 alleles (0.27%); highest among the groups gnomAD compares: African/African-American, 4.7%; 74 homozygotes.

Submissions (7):

Labcorp Genetics (formerly Invitae), Labcorp
Classification: Benign for Autosomal recessive severe congenital neutropenia due to G6PC3 deficiency. Last evaluated: 2026-02-01. Review status: criteria provided, single submitter. Criteria: Invitae Variant Classification Sherloc (09022015). Collection method: clinical testing. Allele origin: germline.

Women's Health and Genetics/Laboratory Corporation of America, LabCorp
Classification: Benign. Last evaluated: 2026-01-22. Review status: criteria provided, single submitter. Criteria: LabCorp Variant Classification Summary - May 2015. Collection method: clinical testing. Allele origin: germline.

Mayo Clinic Laboratories, Mayo Clinic
Classification: Benign. Last evaluated: 2018-11-07. Review status: criteria provided, single submitter. Criteria: ACMG Guidelines, 2015. Collection method: clinical testing. Allele origin: germline. Observed: 22 variant alleles.

Illumina Laboratory Services, Illumina
Classification: Benign for Autosomal recessive severe congenital neutropenia due to G6PC3 deficiency. Last evaluated: 2018-01-13. Review status: criteria provided, single submitter. Criteria: ICSL Variant Classification Criteria 13 December 2019. Collection method: clinical testing. Allele origin: germline.
Comment: This variant was observed in the ICSL laboratory as part of a predisposition screen in an ostensibly healthy population. It had not been previously curated by ICSL or reported in the Human Gene Mutation Database (HGMD: prior to June 1st, 2018), and was therefore a candidate for classification through an automated scoring system. Utilizing variant allele frequency, disease prevalence and penetrance estimates, and inheritance mode, an automated score was calculated to assess if this variant is too frequent to cause the disease. Based on the score and internal cut-off values, a variant classified as benign is not then subjected to further curation. The score for this variant resulted in a classification of benign for this disease.

Breakthrough Genomics
Classification: Benign. Review status: criteria provided, single submitter. Criteria: ACMG Guidelines, 2015. Collection method: not provided. Allele origin: germline. Inheritance: Autosomal recessive inheritance. Affected: yes.

Genome Diagnostics Laboratory, University Medical Center Utrecht
Classification: Benign. Review status: no assertion criteria provided. Collection method: clinical testing. Allele origin: germline. Affected: yes. Study: VKGL Data-share Consensus. Not counted in ClinVar's aggregate classification.

Laboratory of Diagnostic Genome Analysis, Leiden University Medical Center (LUMC)
Classification: Likely benign. Review status: no assertion criteria provided. Collection method: clinical testing. Allele origin: germline. Affected: yes. Study: VKGL Data-share Consensus. Not counted in ClinVar's aggregate classification.

NM_138387.4(G6PC3):c.416+5A>G

Gene: G6PC3 (glucose-6-phosphatase catalytic subunit 3; plus strand). Cytogenetic location: 17q21.31.
Variant type: single nucleotide variant.
Coding change: c.416+5A>G on transcript NM_138387.4 (MANE Select); 5 bases into the intron after coding-DNA position 416, A replaced by G.
Molecular consequence: intron variant.
Genome position (GRCh38, 1-based): chr17:44,074,775, A>G. VCF-style: chr17-44074775-A-G. GRCh37 (hg19) VCF-style: chr17-42152143-A-G.
Other names: c.71+5A>G (NM_001384168.1, NM_001384165.1, NM_001384166.1 and 1 more transcripts); c.416+5A>G (NM_001319945.2).
Identifiers: ClinVar variation 323466 (VCV000323466.20), dbSNP rs73306693, ClinGen allele CA8596006.